The following is an entry in ClinVar:

NM_017739.4(POMGNT1):c.1026+3G>A

Genes: POMGNT1 (protein O-linked mannose N-acetylglucosaminyltransferase 1 (beta 1,2-); minus strand), TSPAN1 (tetraspanin 1; plus strand). Cytogenetic location: 1p34.1.
Variant type: single nucleotide variant.
Coding change: c.1026+3G>A on transcript NM_017739.4 (MANE Select); 3 bases into the intron after coding-DNA position 1026, G replaced by A.
Molecular consequence: intron variant.
Genome position (GRCh38, 1-based): chr1:46,193,561, C>T on the plus strand (G>A on the coding strand, the complement: POMGNT1 is on the minus strand). VCF-style: chr1-46193561-C-T. GRCh37 (hg19) VCF-style: chr1-46659233-C-T.
Other names: c.1026+3G>A (NM_001243766.2, NM_001438686.1, NM_001438688.1 and 3 more transcripts); c.960+3G>A (NM_001290129.3, NM_001438691.1, NM_001438692.1); c.597+3G>A (NM_001290130.2).
Identifiers: ClinVar variation 2073819 (VCV002073819.4), dbSNP rs374173657, ClinGen allele CA833533.

ClinVar aggregate classification (germline): Uncertain significance. Review status: criteria provided, multiple submitters, no conflicts (2 of 4 stars). 2 submissions from 2 submitters: Uncertain significance (2). Last evaluated 2022-08-06.

Conditions:
Autosomal recessive limb-girdle muscular dystrophy type 2O. Also called: Limb-Girdle Muscular Dystrophy Type 3C; MUSCULAR DYSTROPHY-DYSTROGLYCANOPATHY (LIMB-GIRDLE), TYPE C, 3; MUSCULAR DYSTROPHY-DYSTROGLYCANOPATHY, LIMB-GIRDLE, POMGNT1-RELATED. Identifiers: Orphanet 206564, MedGen C3150417, MONDO:0013161, OMIM 613157.
Muscular dystrophy-dystroglycanopathy (congenital with impaired intellectual development), type B, 3. Also called: Muscular dystrophy-dystroglycanopathy (congenital with intellectual disability), type B3; MUSCULAR DYSTROPHY, CONGENITAL, POMGNT1-RELATED. Identifiers: MedGen C3150412, MONDO:0013155, OMIM 613151.

Allele frequency attached by ClinVar (database versions not stated): ExAC 0.00001; TOPMed 0.00001; gnomAD 0.00002; gnomAD exomes 0.00003; ESP Exome Variant Server 0.00008.
gnomAD v4.1: 40 of 1,614,054 alleles (0.0025%); highest among the groups gnomAD compares: Non-Finnish European, 0.0032%; no homozygotes.

Submissions (2):

Labcorp Genetics (formerly Invitae), Labcorp
Classification: Uncertain significance for Autosomal recessive limb-girdle muscular dystrophy type 2O; Muscular dystrophy-dystroglycanopathy (congenital with impaired intellectual development), type B, 3. Last evaluated: 2022-08-06. Review status: criteria provided, single submitter. Criteria: Invitae Variant Classification Sherloc (09022015). Collection method: clinical testing. Allele origin: germline.
Comment: This sequence change falls in intron 11 of the POMGNT1 gene. It does not directly change the encoded amino acid sequence of the POMGNT1 protein. It affects a nucleotide within the consensus splice site. This variant is present in population databases (rs374173657, gnomAD 0.007%). This variant has not been reported in the literature in individuals affected with POMGNT1-related conditions. Variants that disrupt the consensus splice site are a relatively common cause of aberrant splicing (PMID: 17576681, 9536098). Algorithms developed to predict the effect of sequence changes on RNA splicing suggest that this variant is not likely to affect RNA splicing. In summary, the available evidence is currently insufficient to determine the role of this variant in disease. Therefore, it has been classified as a Variant of Uncertain Significance.

Revvity Omics, Revvity
Classification: Uncertain significance. Last evaluated: 2022-04-18. Review status: criteria provided, single submitter. Criteria: ACMG Guidelines, 2015. Collection method: clinical testing. Allele origin: germline.

Literature cited by the submitters: PubMed 17576681 (cited by Labcorp Genetics (formerly Invitae), Labcorp); PubMed 9536098 (cited by Labcorp Genetics (formerly Invitae), Labcorp).